The following is an entry in ClinVar:

NM_001017420.3(ESCO2):c.1111dup (p.Thr371fs)

Gene: ESCO2 (establishment of sister chromatid cohesion N-acetyltransferase 2; plus strand). Cytogenetic location: 8p21.1.
Variant type: Duplication.
Coding change: c.1111dup on transcript NM_001017420.3 (MANE Select); coding-DNA position 1111, one base duplicated (A; older notation c.1111dupA).
Protein change: p.Thr371fs; shifts the reading frame from threonine 371.
Molecular consequence: frameshift variant.
Genome position (GRCh38, 1-based): chr8:27,787,982, A duplicated; the last of 7 consecutive A bases (chr8:27,787,976-27,787,982); duplicating any one gives the same sequence. VCF-style (leftmost placement, unchanged base first): chr8-27787975-T-TA. GRCh37 (hg19) VCF-style: chr8-27645492-T-TA.
Other names: c.1111dup (NM_001017420.2); short protein forms T371fs.
Identifiers: ClinVar variation 21232 (VCV000021232.15), dbSNP rs80359859, ClinGen allele CA341779.

ClinVar aggregate classification (germline): Pathogenic/Likely pathogenic. Review status: criteria provided, multiple submitters, no conflicts (2 of 4 stars). 5 submissions from 5 submitters: Pathogenic (3); Likely pathogenic (1). 1 of the submissions does not count toward it. Last evaluated 2025-05-05.

Conditions:
Roberts-SC phocomelia syndrome (RBS). Also called: Hypomelia hypotrichosis facial hemangioma syndrome; LONG BONE DEFICIENCIES ASSOCIATED WITH CLEFT LIP-PALATE; Pseudothalidomide syndrome; Appelt-Gerken-Lenz syndrome; ESCO2 Spectrum Disorder. Identifiers: Orphanet 3103, MedGen C0392475, MONDO:0100253, OMIM 268300.
Juberg-Hayward syndrome (JHS). Also called: OROCRANIODIGITAL SYNDROME; Cleft lip/palate with abnormal thumbs and microcephaly. Identifiers: Orphanet 2319, MedGen C0796099, MONDO:0008992, OMIM 216100.

Submissions (5):

Natera, Inc.
Classification: Pathogenic for Roberts syndrome. Last evaluated: 2025-05-05. Review status: criteria provided, single submitter. Criteria: Natera Variant Classification Schema (03/2026). Collection method: clinical testing. Allele origin: germline.
Comment: The c.1111dupA variant in ESCO2 is a frameshift variant predicted to shift the reading frame beginning at codon 371 and leads to a stop codon 32 codons downstream. This variant is expected to result in nonsense mediated decay, truncation, or a dysfunctional protein product. This variant is rare in the general population with a frequency below the threshold expected for the associated phenotype(s). This variant has been observed in one or more individuals affected with the associated recessive disease, as either homozygous or compound heterozygous with a second variant (PMID: 15821733, 30590172). Additionally, this variant has been observed to segregate in affected family members (PMID: 30590172). Given the available evidence, this variant is classified as Pathogenic.

Fulgent Genetics
Classification: Pathogenic for Juberg-Hayward syndrome; Roberts-SC phocomelia syndrome. Last evaluated: 2024-02-01. Review status: criteria provided, single submitter. Criteria: ACMG Guidelines, 2015. Collection method: clinical testing. Allele origin: germline.

Labcorp Genetics (formerly Invitae), Labcorp
Classification: Pathogenic. Last evaluated: 2023-08-03. Review status: criteria provided, single submitter. Criteria: Invitae Variant Classification Sherloc (09022015). Collection method: clinical testing. Allele origin: germline.
Comment: This sequence change creates a premature translational stop signal (p.Thr371Asnfs*32) in the ESCO2 gene. It is expected to result in an absent or disrupted protein product. Loss-of-function variants in ESCO2 are known to be pathogenic (PMID: 15821733, 16380922). This variant is not present in population databases (gnomAD no frequency). This premature translational stop signal has been observed in individual(s) with Roberts syndrome (PMID: 15821733). This variant is also known as 1104_1105insA, K369fsX34. ClinVar contains an entry for this variant (Variation ID: 21232). For these reasons, this variant has been classified as Pathogenic.

Genomic Research Center, Shahid Beheshti University of Medical Sciences
Classification: Likely pathogenic for Roberts-SC phocomelia syndrome. Last evaluated: 2018-08-07. Review status: criteria provided, single submitter. Criteria: ACMG Guidelines, 2015. Collection method: clinical testing. Allele origin: inherited. Affected: yes. Observed: 1 variant allele.

GeneReviews
No classification provided. Condition: Roberts-SC phocomelia syndrome. Review status: no classification provided. Collection method: literature only. Allele origin: unknown. Not counted in ClinVar's aggregate classification.

Literature cited by the submitters: PubMed 15821733 (cited by 3 submitters); PubMed 30590172 (cited by Natera, Inc.); PubMed 16380922 (cited by Labcorp Genetics (formerly Invitae), Labcorp); PubMed 20301332 (cited by GeneReviews); NCBI Bookshelf NBK1153 (cited by GeneReviews).